The following is an entry in ClinVar:

ClinVar aggregate classification (germline): Pathogenic (1 of 4 stars; one submission).

Submission:

GeneDx
Classification: Pathogenic. Last evaluated: 2013-03-05. Review status: criteria provided, single submitter. Criteria: GeneDx Variant Classification (06012015). Collection method: clinical testing. Allele origin: germline. Affected: yes.
Comment: Although the c.3426dupG pathogenic variant in the DSP gene has not been reported to our knowledge, this variant causes a shift in reading frame starting at codon Glutamine 1143, changing it to a Alanine, and creating a premature stop codon at position 7 of the new reading frame, denoted p.Gln1143AlafsX7. This variant is expected to result in either an abnormal, truncated protein product or loss of protein from this allele through nonsense-mediated mRNA decay. Other frameshift variants in the DSP gene have been reported in association with ARVC.

NM_004415.4(DSP):c.3426dup (p.Gln1143fs)

Gene: DSP (desmoplakin; plus strand). Cytogenetic location: 6p24.3.
Variant type: Duplication.
Coding change: c.3426dup on transcript NM_004415.4 (MANE Select); coding-DNA position 3426, one base duplicated (G; older notation c.3426dupG).
Protein change: p.Gln1143fs; shifts the reading frame from glutamine 1143.
Molecular consequence: frameshift variant.
Genome position (GRCh38, 1-based): chr6:7,579,616, G duplicated. VCF-style (leftmost placement, unchanged base first): chr6-7579615-T-TG. GRCh37 (hg19) VCF-style: chr6-7579848-T-TG.
Other names: c.3426dup (LRG_423t1); c.3426dup, p.Gln1143fs (NM_001008844.3, NM_001319034.2); short protein forms Q1143fs.
Identifiers: ClinVar variation 199920 (VCV000199920.2), dbSNP rs794728141, ClinGen allele CA303943.